The following is an entry in ClinVar:

ClinVar aggregate classification (germline): Benign/Likely benign. Review status: criteria provided, multiple submitters, no conflicts (2 of 4 stars). 2 submissions from 2 submitters: Benign (1); Likely benign (1). Last evaluated 2024-04-01.

Conditions:
Hereditary cancer-predisposing syndrome. Also called: Hereditary Cancer Syndrome; Neoplastic Syndromes, Hereditary; Tumor predisposition; Hereditary neoplastic syndrome. Identifiers: Orphanet 140162, MedGen C0027672, MeSH D009386, MONDO:0015356.
Familial adenomatous polyposis 1 (FAP1). Also called: FAMILIAL ADENOMATOUS POLYPOSIS 1, ATTENUATED; POLYPOSIS, ADENOMATOUS INTESTINAL. Identifiers: MedGen C2713442, MONDO:0021056, OMIM 175100. Disease mechanism: loss of function.

Allele frequency attached by ClinVar (database versions not stated): gnomAD exomes below 0.00001.
gnomAD v4.1: 1 of 1,614,084 alleles (0.000062%); highest among the groups gnomAD compares: Non-Finnish European, 0.000085%; no homozygotes.

Submissions (2):

Myriad Genetics, Inc.
Classification: Benign for Familial adenomatous polyposis 1. Last evaluated: 2024-04-01. Review status: criteria provided, single submitter. Criteria: Myriad Autosomal Dominant, Autosomal Recessive and X-Linked Classification Criteria (2023). Collection method: clinical testing. Allele origin: unknown.
Comment: This variant is considered benign. This variant is a silent/synonymous amino acid change and it is not expected to impact splicing.

Ambry Genetics
Classification: Likely benign for Hereditary cancer-predisposing syndrome. Last evaluated: 2015-12-13. Review status: criteria provided, single submitter. Criteria: Ambry Variant Classification Scheme 2023. Collection method: clinical testing. Allele origin: germline.

NM_000038.6(APC):c.5142T>C (p.Asp1714=)

Gene: APC (APC regulator of Wnt signaling pathway; plus strand). Cytogenetic location: 5q22.2.
Variant type: single nucleotide variant.
Coding change: c.5142T>C on transcript NM_000038.6 (MANE Select); coding-DNA position 5142, T replaced by C.
Protein change: p.Asp1714=; no amino-acid change (aspartic acid 1714 retained).
Molecular consequence: synonymous variant. On other transcripts: non-coding transcript variant (2).
Genome position (GRCh38, 1-based): chr5:112,840,736, T>C. VCF-style: chr5-112840736-T-C. GRCh37 (hg19) VCF-style: chr5-112176433-T-C.
Other names: c.5142T>C, p.Asp1714= (NM_001127510.3, NM_001354895.2, NM_001407450.1); c.5088T>C, p.Asp1696= (NM_001127511.3); c.5196T>C, p.Asp1732= (NM_001354896.2, NM_001407447.1, NM_001407448.1 and 1 more transcripts); c.5172T>C, p.Asp1724= (NM_001354897.2); c.5067T>C, p.Asp1689= (NM_001354898.2); c.5058T>C, p.Asp1686= (NM_001354899.2); c.5019T>C, p.Asp1673= (NM_001354900.2); c.4965T>C, p.Asp1655= (NM_001354901.2, NM_001407453.1); and 11 more.
Identifiers: ClinVar variation 1745615 (VCV001745615.3), dbSNP rs1765857302, ClinGen allele CA446209606.